The following is an entry in ClinVar:

NM_145046.5(CALR3):c.218G>A (p.Arg73Gln)

Gene: CALR3 (calreticulin 3; minus strand). Cytogenetic location: 19p13.11.
Variant type: single nucleotide variant.
Coding change: c.218G>A on transcript NM_145046.5 (MANE Select); coding-DNA position 218, G replaced by A.
Protein change: p.Arg73Gln; replaces arginine 73 with glutamine.
Molecular consequence: missense variant.
Genome position (GRCh38, 1-based): chr19:16,490,546, C>T on the plus strand (G>A on the coding strand, the complement: CALR3 is on the minus strand). VCF-style: chr19-16490546-C-T. GRCh37 (hg19) VCF-style: chr19-16601357-C-T.
Other names: short protein forms R73Q.
Identifiers: ClinVar variation 3630790 (VCV003630790.2).
Genomic context (GRCh38, chr19:16,490,546, plus strand): 5'-ATAACCAGAGTTTTCCCTTTATTGCTGAACGGTTTGAAGCGTGCAGAGATGGCATAGAAT[C>T]GGCCATTCTGAGTGGTTTGCAGACCTTTGAACAAAATATACTCATGAAGGATCAGGAATG-3'
Protein context (NP_659483.2, residues 63-83): DKGLQTTQNG[Arg73Gln]FYAISARFKP

ClinVar aggregate classification (germline): Uncertain significance (1 of 4 stars; one submission).

Conditions:
Hypertrophic cardiomyopathy 19. Also called: Familial hypertrophic cardiomyopathy 19. Identifiers: MedGen CN077603, MONDO:0013476.

Submission:

Labcorp Genetics (formerly Invitae), Labcorp
Classification: Uncertain significance for Hypertrophic cardiomyopathy 19. Last evaluated: 2024-12-04. Review status: criteria provided, single submitter. Criteria: Invitae Variant Classification Sherloc (09022015). Collection method: clinical testing. Allele origin: germline.
Comment: This sequence change replaces arginine, which is basic and polar, with glutamine, which is neutral and polar, at codon 73 of the CALR3 protein (p.Arg73Gln). This variant is present in population databases (rs372657559, gnomAD 0.007%). This missense change has been observed in individual(s) with hypertrophic cardiomyopathy (PMID: 17655857). Invitae Evidence Modeling of protein sequence and biophysical properties (such as structural, functional, and spatial information, amino acid conservation, physicochemical variation, residue mobility, and thermodynamic stability) indicates that this missense variant is not expected to disrupt CALR3 protein function with a negative predictive value of 80%. In summary, the available evidence is currently insufficient to determine the role of this variant in disease. Therefore, it has been classified as a Variant of Uncertain Significance.

Literature cited by the submitters: PubMed 17655857.